The following is an entry in ClinVar:

NM_020778.5(ALPK3):c.895G>A (p.Ala299Thr)

Gene: ALPK3 (alpha kinase 3; plus strand). Cytogenetic location: 15q25.3.
Variant type: single nucleotide variant.
Coding change: c.895G>A on transcript NM_020778.5 (MANE Select); coding-DNA position 895, G replaced by A.
Protein change: p.Ala299Thr; replaces alanine 299 with threonine.
Molecular consequence: missense variant.
Genome position (GRCh38, 1-based): chr15:84,840,174, G>A. VCF-style: chr15-84840174-G-A. GRCh37 (hg19) VCF-style: chr15-85383405-G-A.
Other names: short protein forms A501T, A299T.
Identifiers: ClinVar variation 393247 (VCV000393247.12), dbSNP rs115195927, ClinGen allele CA7709091.
Genomic context (GRCh38, chr15:84,840,174, plus strand): 5'-GAGGCTGCCCCCGAGAATGGAGAGGACGGAGAGCATGGCTTGCTGACATACATCTGTGAC[G>A]CCATGGAGCTGGGGCCTCAGAGAGCCCTCAAAGAGGAGAGTGGGGCCAAGAAGAAAAAGA-3'
Protein context (NP_065829.4, residues 289-309): EHGLLTYICD[Ala299Thr]MELGPQRALK

ClinVar aggregate classification (germline): Conflicting classifications of pathogenicity. Review status: criteria provided, conflicting classifications (1 of 4 stars). 3 submissions from 3 submitters: Uncertain significance (2); Likely benign (1). Last evaluated 2025-09-15.

Conditions:
Cardiovascular phenotype. Identifiers: MedGen CN230736.

Allele frequency attached by ClinVar (database versions not stated): gnomAD 0.00003; 1000 Genomes Project 30x 0.00016; 1000 Genomes Project 0.00020; gnomAD exomes below 0.00001; ExAC 0.00002; TOPMed 0.00002.
gnomAD v4.1: 11 of 1,613,814 alleles (0.00068%); highest among the groups gnomAD compares: East Asian, 0.0067%; no homozygotes.

Submissions (3):

Labcorp Genetics (formerly Invitae), Labcorp
Classification: Uncertain significance. Last evaluated: 2025-09-15. Review status: criteria provided, single submitter. Criteria: Invitae Variant Classification Sherloc (09022015). Collection method: clinical testing. Allele origin: germline.
Comment: This sequence change replaces alanine, which is neutral and non-polar, with threonine, which is neutral and polar, at codon 501 of the ALPK3 protein (p.Ala501Thr). This variant is present in population databases (rs115195927, gnomAD 0.02%). This variant has not been reported in the literature in individuals affected with ALPK3-related conditions. ClinVar contains an entry for this variant (Variation ID: 393247). Invitae Evidence Modeling of protein sequence and biophysical properties (such as structural, functional, and spatial information, amino acid conservation, physicochemical variation, residue mobility, and thermodynamic stability) indicates that this missense variant is not expected to disrupt ALPK3 protein function with a negative predictive value of 80%. In summary, the available evidence is currently insufficient to determine the role of this variant in disease. Therefore, it has been classified as a Variant of Uncertain Significance.

Ambry Genetics
Classification: Likely benign for Cardiovascular phenotype. Last evaluated: 2025-09-10. Review status: criteria provided, single submitter. Criteria: Ambry Variant Classification Scheme 2023. Collection method: clinical testing. Allele origin: germline.

GeneDx
Classification: Uncertain significance. Last evaluated: 2017-02-01. Review status: criteria provided, single submitter. Criteria: GeneDx Variant Classification (06012015). Collection method: clinical testing. Allele origin: germline. Affected: yes.
Comment: A variant of uncertain significance has been identified in the ALPK3 gene. The A501T variant has not been published as pathogenic or been reported as benign to our knowledge. This variant is not observed at a significant frequency in large population cohorts (Lek et al., 2016; 1000 Genomes Consortium et al., 2015; Exome Variant Server). The A501T variant is a non-conservative amino acid substitution, which is likely to impact secondary protein structure as these residues differ in polarity, charge, size and/or other properties. However, this substitution occurs at a position that is not conserved across species and where threonine is the wild type in several species. Finally, in silico analysis suggests that this variant likely does not alter the protein structure/function.